The following is an entry in ClinVar:

NM_000070.3(CAPN3):c.100del (p.Ala34fs)

Gene: CAPN3 (calpain 3; plus strand). Cytogenetic location: 15q15.1.
Variant type: Deletion.
Coding change: c.100del on transcript NM_000070.3 (MANE Select); coding-DNA position 100, one base deleted (G; older notation c.100delG).
Protein change: p.Ala34fs; shifts the reading frame from alanine 34.
Molecular consequence: frameshift variant.
Genome position (GRCh38, 1-based): chr15:42,359,905, G deleted; the last of 2 consecutive G bases (chr15:42,359,904-42,359,905); deleting either gives the same sequence. VCF-style (leftmost placement, unchanged base first): chr15-42359903-AG-A. GRCh37 (hg19) VCF-style: chr15-42652101-AG-A.
Other names: c.100del, p.Ala34fs (NM_024344.2, NM_173087.2); short protein forms A34fs.
Identifiers: ClinVar variation 861571 (VCV000861571.12), dbSNP rs2052593499, ClinGen allele CA916083415.

ClinVar aggregate classification (germline): Pathogenic. Review status: criteria provided, multiple submitters, no conflicts (2 of 4 stars). 2 submissions from 2 submitters: Pathogenic (2). Last evaluated 2024-01-04.

Conditions:
Muscular dystrophy, limb-girdle, autosomal dominant 4. Also called: Calpain-3-related limb-girdle muscular dystrophy D4; MUSCULAR DYSTROPHY, LIMB-GIRDLE, TYPE 1I. Identifiers: Orphanet 565909, MedGen C4748295, MONDO:0029133, OMIM 618129.
Autosomal recessive limb-girdle muscular dystrophy type 2A (LGMDR1). Also called: Calpainopathy; Limb-girdle muscular dystrophy, type 2A; LEYDEN-MOEBIUS MUSCULAR DYSTROPHY; MUSCULAR DYSTROPHY, PELVOFEMORAL; Muscular dystrophy, limb-girdle, type 2A, Amish. Identifiers: Orphanet 267, MedGen C1869123, MONDO:0009675, OMIM 253600. Disease mechanism: loss of function.

Submissions (2):

Baylor Genetics
Classification: Pathogenic for Muscular dystrophy, limb-girdle, autosomal dominant 4. Last evaluated: 2024-01-04. Review status: criteria provided, single submitter. Criteria: ACMG Guidelines, 2015. Collection method: clinical testing. Allele origin: unknown.

Labcorp Genetics (formerly Invitae), Labcorp
Classification: Pathogenic for Autosomal recessive limb-girdle muscular dystrophy type 2A. Last evaluated: 2021-12-22. Review status: criteria provided, single submitter. Criteria: Invitae Variant Classification Sherloc (09022015). Collection method: clinical testing. Allele origin: germline.
Comment: For these reasons, this variant has been classified as Pathogenic. ClinVar contains an entry for this variant (Variation ID: 861571). This premature translational stop signal has been observed in individual(s) with limb girdle muscular dystrophy (LGMD) type 2A (PMID: 15221789, 18854869). This variant is not present in population databases (gnomAD no frequency). This sequence change creates a premature translational stop signal (p.Ala34Leufs*23) in the CAPN3 gene. It is expected to result in an absent or disrupted protein product. Loss-of-function variants in CAPN3 are known to be pathogenic (PMID: 10330340, 15689361).

Literature cited by the submitters: PubMed 15221789 (cited by Labcorp Genetics (formerly Invitae), Labcorp); PubMed 18854869 (cited by Labcorp Genetics (formerly Invitae), Labcorp); PubMed 10330340 (cited by Labcorp Genetics (formerly Invitae), Labcorp); PubMed 15689361 (cited by Labcorp Genetics (formerly Invitae), Labcorp).